The following is an entry in ClinVar:

ClinVar aggregate classification (germline): Uncertain significance (1 of 4 stars; one submission).

Submission:

Women's Health and Genetics/Laboratory Corporation of America, LabCorp
Classification: Uncertain significance. Last evaluated: 2024-06-24. Review status: criteria provided, single submitter. Criteria: LabCorp Variant Classification Summary - May 2015. Collection method: clinical testing. Allele origin: germline.
Comment: Variant summary: CSNK2A1 c.-9C>G is located in the untranslated mRNA region upstream of the initiation codon. The variant was absent in 248214 control chromosomes. The available data on variant occurrences in the general population are insufficient to allow any conclusion about variant significance. To our knowledge, no occurrence of c.-9C>G in individuals affected with Okur-Chung Neurodevelopmental Syndrome and no experimental evidence demonstrating its impact on protein function have been reported. No submitters have cited clinical-significance assessments for this variant to ClinVar. Based on the evidence outlined above, the variant was classified as uncertain significance.

NM_177559.3(CSNK2A1):c.-9C>G

Gene: CSNK2A1 (casein kinase 2 alpha 1; minus strand). Cytogenetic location: 20p13.
Variant type: single nucleotide variant.
Coding change: c.-9C>G on transcript NM_177559.3 (MANE Select); 9 bases upstream of the start codon, C replaced by G.
Molecular consequence: 5 prime UTR variant. On other transcripts: intron variant (1).
Genome position (GRCh38, 1-based): chr20:508,560, G>C on the plus strand (C>G on the coding strand, the complement: CSNK2A1 is on the minus strand). VCF-style: chr20-508560-G-C. GRCh37 (hg19) VCF-style: chr20-489204-G-C.
Other names: c.-9C>G (NM_001362770.2, NM_001362771.2, NM_001895.4); c.-307-3331C>G (NM_177560.3).
Identifiers: ClinVar variation 3339823 (VCV003339823.1).